The following is an entry in ClinVar:

ClinVar aggregate classification (germline): Pathogenic/Likely pathogenic. Review status: criteria provided, multiple submitters, no conflicts (2 of 4 stars). 5 submissions from 5 submitters: Pathogenic (3); Likely pathogenic (1). 1 of the submissions does not count toward it. Last evaluated 2025-12-15.

Conditions:
ANGPTL3-related disorder. Also called: ANGPTL3-related condition.
Developmental and epileptic encephalopathy, 23 (DEE23). Also called: Epileptic encephalopathy, early infantile, 23. Identifiers: Orphanet 411986, MedGen C4014492, MONDO:0014371, OMIM 615859.
Familial hypobetalipoproteinemia 2. Also called: HYPOLIPIDEMIA, FAMILIAL, COMBINED. Identifiers: MedGen C1857970, MONDO:0011505, OMIM 605019.

Submissions (5):

Labcorp Genetics (formerly Invitae), Labcorp
Classification: Pathogenic. Last evaluated: 2025-12-15. Review status: criteria provided, single submitter. Criteria: Invitae Variant Classification Sherloc (09022015). Collection method: clinical testing. Allele origin: germline.
Comment: This sequence change creates a premature translational stop signal (p.Asn121Lysfs*3) in the ANGPTL3 gene. It is expected to result in an absent or disrupted protein product. Loss-of-function variants in ANGPTL3 are known to be pathogenic (PMID: 22247256, 24058201). This variant is present in population databases (rs569107562, gnomAD 0.05%). This premature translational stop signal has been observed in individual(s) with familial combined hypolipidemia (PMID: 22155345, 22247256, 24058201). It has also been observed to segregate with disease in related individuals. This variant is also known as p.N121Lx2. ClinVar contains an entry for this variant (Variation ID: 91866). For these reasons, this variant has been classified as Pathogenic.

PreventionGenetics, part of Exact Sciences
Classification: Pathogenic for ANGPTL3-related condition. Last evaluated: 2025-06-12. Review status: criteria provided, single submitter. Criteria: ACMG Guidelines, 2015. Collection method: clinical testing. Allele origin: germline.
Comment: The ANGPTL3 c.363_367del5 variant is predicted to result in a frameshift and premature protein termination (p.Asn121Lysfs*3). This variant has been reported in several individuals with autosomal recessive hypobetalipoproteinemia (see for example Martín-Campos et al. 2012. PubMed ID: 22155345; Blanco-Vaca et al. 2019. PubMed ID: 30782561). This variant is reported in 0.061% of alleles in individuals of Latino descent in gnomAD. Frameshift variants in ANGPTL3 are expected to be pathogenic. This variant is interpreted as pathogenic.

Blueprint Genetics
Classification: Likely pathogenic for ANGPTL3-related disorders. Last evaluated: 2024-11-20. Review status: criteria provided, single submitter. Criteria: ACMG Guidelines, 2015. Collection method: clinical testing. Allele origin: germline. Affected: yes. Observed: 5 variant alleles.

Genome-Nilou Lab
Classification: Pathogenic for Developmental and epileptic encephalopathy, 23. Last evaluated: 2023-04-11. Review status: criteria provided, single submitter. Criteria: ACMG Guidelines, 2015. Collection method: clinical testing. Allele origin: germline. Affected: no.

OMIM
Classification: Pathogenic for HYPOBETALIPOPROTEINEMIA, FAMILIAL, 2. Last evaluated: 2012-03-22. Review status: no assertion criteria provided. Collection method: literature only. Allele origin: germline. Not counted in ClinVar's aggregate classification.

Literature cited by the submitters: PubMed 22247256 (cited by Labcorp Genetics (formerly Invitae), Labcorp); PubMed 24058201 (cited by Labcorp Genetics (formerly Invitae), Labcorp); PubMed 22155345 (cited by Labcorp Genetics (formerly Invitae), Labcorp and OMIM).

NM_014495.4(ANGPTL3):c.363_367del (p.Asn121fs)

Genes: ANGPTL3 (angiopoietin like 3; plus strand), DOCK7 (dedicator of cytokinesis 7; minus strand). Cytogenetic location: 1p31.3.
Variant type: Microsatellite.
Coding change: c.363_367del on transcript NM_014495.4 (MANE Select); coding-DNA positions 363 to 367, 5 bases deleted (CTCAA; older notation c.363_367delCTCAA).
Protein change: p.Asn121fs; shifts the reading frame from asparagine 121.
Molecular consequence: frameshift variant. On other transcripts: intron variant (7).
Genome position (GRCh38, 1-based): chr1:62,597,929-62,597,933, CTCAA deleted; deleting any 5 consecutive bases within chr1:62,597,922-62,597,933 gives the same sequence; the c. name uses the placement nearest the transcript's 3' end. VCF-style (leftmost placement, unchanged base first): chr1-62597921-GAACTC-G. GRCh37 (hg19) VCF-style: chr1-63063592-GAACTC-G.
Other names: c.363_367del5 (NM_014495.3); c.1683-11302_1683-11298del (NM_001272001.2, NM_001272000.2, NM_033407.4 and 4 more transcripts); short protein forms N121fs.
Identifiers: ClinVar variation 91866 (VCV000091866.13), dbSNP rs398122988, ClinGen allele CA145486.
Genomic context (GRCh38, chr1:62,597,921, plus strand): 5'-CTGAGAAGAACTACATATAAACTACAAGTCAAAAATGAAGAGGTAAAGAATATGTCACTT[GAACTC>G]AACTCAAAACTTGAAAGCCTCCTAGAAGAAAAAATTCTACTTCAACAAAAAGTGAAATAT-3'